The following is an entry in ClinVar:

NM_000179.3(MSH6):c.95G>T (p.Gly32Val)

Gene: MSH6 (mutS homolog 6; plus strand). Cytogenetic location: 2p16.3.
Variant type: single nucleotide variant.
Coding change: c.95G>T on transcript NM_000179.3 (MANE Select); coding-DNA position 95, G replaced by T.
Protein change: p.Gly32Val; replaces glycine 32 with valine.
Molecular consequence: missense variant. On other transcripts: 5 prime UTR variant (1).
Genome position (GRCh38, 1-based): chr2:47,783,328, G>T. VCF-style: chr2-47783328-G-T. GRCh37 (hg19) VCF-style: chr2-48010467-G-T.
Other names: c.95G>T, p.Gly32Val (NM_001281492.2); c.-642G>T (NM_001281493.2); short protein forms G32V.
Identifiers: ClinVar variation 418317 (VCV000418317.20), dbSNP rs771426932, ClinGen allele CA16617617.

ClinVar aggregate classification (germline): Uncertain significance. Review status: criteria provided, multiple submitters, no conflicts (2 of 4 stars). 4 submissions from 4 submitters: Uncertain significance (4). Last evaluated 2025-03-28.

Conditions:
Hereditary nonpolyposis colorectal neoplasms. Identifiers: MedGen C0009405, MeSH D003123.
Breast and/or ovarian cancer. Identifiers: MedGen CN221562.
Hereditary cancer-predisposing syndrome. Also called: Hereditary neoplastic syndrome; Tumor predisposition; Neoplastic Syndromes, Hereditary; Hereditary Cancer Syndrome. Identifiers: Orphanet 140162, MedGen C0027672, MeSH D009386, MONDO:0015356.

Submissions (4):

Ambry Genetics
Classification: Uncertain significance for Hereditary cancer-predisposing syndrome. Last evaluated: 2025-03-28. Review status: criteria provided, single submitter. Criteria: Ambry Variant Classification Scheme 2023. Collection method: clinical testing. Allele origin: germline.
Comment: The p.G32V variant (also known as c.95G>T), located in coding exon 1 of the MSH6 gene, results from a G to T substitution at nucleotide position 95. The glycine at codon 32 is replaced by valine, an amino acid with dissimilar properties. This amino acid position is not well conserved in available vertebrate species. In addition, this alteration is predicted to be tolerated by in silico analysis. Since supporting evidence is limited at this time, the clinical significance of this alteration remains unclear.

Labcorp Genetics (formerly Invitae), Labcorp
Classification: Uncertain significance for Hereditary nonpolyposis colorectal neoplasms. Last evaluated: 2024-05-16. Review status: criteria provided, single submitter. Criteria: Invitae Variant Classification Sherloc (09022015). Collection method: clinical testing. Allele origin: germline.
Comment: This sequence change replaces glycine, which is neutral and non-polar, with valine, which is neutral and non-polar, at codon 32 of the MSH6 protein (p.Gly32Val). This variant is not present in population databases (gnomAD no frequency). This variant has not been reported in the literature in individuals affected with MSH6-related conditions. ClinVar contains an entry for this variant (Variation ID: 418317). Advanced modeling of protein sequence and biophysical properties (such as structural, functional, and spatial information, amino acid conservation, physicochemical variation, residue mobility, and thermodynamic stability) performed at Invitae indicates that this missense variant is not expected to disrupt MSH6 protein function with a negative predictive value of 95%. In summary, the available evidence is currently insufficient to determine the role of this variant in disease. Therefore, it has been classified as a Variant of Uncertain Significance.

GeneDx
Classification: Uncertain significance. Last evaluated: 2024-03-06. Review status: criteria provided, single submitter. Criteria: GeneDx Variant Classification Process June 2021. Collection method: clinical testing. Allele origin: germline. Affected: yes.
Comment: Not observed at significant frequency in large population cohorts (gnomAD); In silico analysis supports that this missense variant does not alter protein structure/function; Has not been previously published as pathogenic or benign to our knowledge

CHEO Genetics Diagnostic Laboratory, Children's Hospital of Eastern Ontario
Classification: Uncertain significance for Breast and/or ovarian cancer. Last evaluated: 2021-03-01. Review status: criteria provided, single submitter. Criteria: ACMG Guidelines, 2015. Collection method: clinical testing. Allele origin: germline.